The following is an entry in ClinVar:

NM_000503.6(EYA1):c.1574A>T (p.Asn525Ile)

Gene: EYA1 (EYA transcriptional coactivator and phosphatase 1; minus strand). Cytogenetic location: 8q13.3.
Variant type: single nucleotide variant.
Coding change: c.1574A>T on transcript NM_000503.6 (MANE Select); coding-DNA position 1574, A replaced by T.
Protein change: p.Asn525Ile; replaces asparagine 525 with isoleucine.
Molecular consequence: missense variant.
Genome position (GRCh38, 1-based): chr8:71,215,410, T>A on the plus strand (A>T on the coding strand, the complement: EYA1 is on the minus strand). VCF-style: chr8-71215410-T-A. GRCh37 (hg19) VCF-style: chr8-72127645-T-A.
Other names: c.1556A>T, p.Asn519Ile (NM_001288574.2, NM_172059.5); c.1208A>T, p.Asn403Ile (NM_001288575.2); c.1661A>T, p.Asn554Ile (NM_001370333.1); c.1574A>T, p.Asn525Ile (NM_001370334.1, NM_001370335.1, NM_172058.4); c.1553A>T, p.Asn518Ile (NM_001370336.1); c.1475A>T, p.Asn492Ile (NM_001411797.1, NM_172060.4); short protein forms N403I, N492I, N518I, N519I, N525I, N554I.
Identifiers: ClinVar variation 3236442 (VCV003236442.2), dbSNP rs2537273954, ClinGen allele CA371466097.
Genomic context (GRCh38, chr8:71,215,410, plus strand): 5'-AGAGCTGATTGTTAAAAAGAAAAGAAAAGCAGCTCACCTATTTTAGTTGCACTGTAAATA[T>A]TTTCTATTGGAAATACAATTCCTAACCCATACAGCAGGACTTTCGCCAATGCTGGGATGA-3'
Protein context (NP_000494.2, residues 515-535): YGLGIVFPIE[Asn525Ile]IYSATKIGKE

ClinVar aggregate classification (germline): Uncertain significance (1 of 4 stars; one submission).

Conditions:
Branchiootorenal syndrome 1. Also called: Branchio-Oto-Renal Syndrome 1. Identifiers: Orphanet 107, MedGen C4551702, MONDO:0007236, OMIM 113650.

Submission:

Neuberg Centre For Genomic Medicine, NCGM
Classification: Uncertain significance for Branchiootorenal syndrome 1. Review status: criteria provided, single submitter. Criteria: ACMG Guidelines, 2015. Collection method: clinical testing. Allele origin: germline. Inheritance: Autosomal dominant inheritance. Affected: yes.
Comment: The missense c.1574A>T p.Asn525Ile variant in EYA1 gene has not been reported previously as a pathogenic variant nor as a benign variant, to our knowledge. The p.Asn525Ile variant is novel not in any individuals in gnomAD Exomes and 1000 Genomes. This variant has not been reported to the ClinVar database. The amino acid change p.Asn525Ile in EYA1 is predicted as conserved by GERP++ and PhyloP across 100 vertebrates. The amino acid Asn at position 525 is changed to a Ile changing protein sequence and it might alter its composition and physico-chemical properties. For these reasons, this variant has been classified as Variant of Uncertain Significance VUS.